The following is an entry in ClinVar:

NM_001927.4(DES):c.154C>A (p.Arg52Ser)

Gene: DES (desmin; plus strand). Cytogenetic location: 2q35.
Variant type: single nucleotide variant.
Coding change: c.154C>A on transcript NM_001927.4 (MANE Select); coding-DNA position 154, C replaced by A.
Protein change: p.Arg52Ser; replaces arginine 52 with serine.
Molecular consequence: missense variant.
Genome position (GRCh38, 1-based): chr2:219,418,616, C>A. VCF-style: chr2-219418616-C-A. GRCh37 (hg19) VCF-style: chr2-220283338-C-A.
Other names: p.R52S:CGC>AGC; c.154C>A (LRG_380t1); short protein forms R52S.
Identifiers: ClinVar variation 201712 (VCV000201712.16), dbSNP rs794728990, ClinGen allele CA308290.

ClinVar aggregate classification (germline): Conflicting classifications of pathogenicity. Review status: criteria provided, conflicting classifications (1 of 4 stars). 5 submissions from 5 submitters: Likely pathogenic (1); Uncertain significance (4). Last evaluated 2025-12-23.

Conditions:
Cardiovascular phenotype. Identifiers: MedGen CN230736.
Desmin-related myofibrillar myopathy (MFM1). Also called: Desminopathy; Desmin related myopathy (former name); Desmin storage myopathy (former name); Myofibrillar myopathy 1; MYOFIBRILLAR MYOPATHY WITH ARRHYTHMOGENIC RIGHT VENTRICULAR CARDIOMYOPATHY; DESMIN-RELATED MYOPATHY WITH ARRHYTHMOGENIC RIGHT VENTRICULAR CARDIOMYOPATHY. Identifiers: Orphanet 363543, Orphanet 98909, MedGen C1832370, MONDO:0011076, OMIM 601419.

Submissions (5):

Labcorp Genetics (formerly Invitae), Labcorp
Classification: Likely pathogenic for Desmin-related myofibrillar myopathy. Last evaluated: 2025-12-23. Review status: criteria provided, single submitter. Criteria: Invitae Variant Classification Sherloc (09022015). Collection method: clinical testing. Allele origin: germline.
Comment: This sequence change replaces arginine, which is basic and polar, with serine, which is neutral and polar, at codon 52 of the DES protein (p.Arg52Ser). This variant is not present in population databases (gnomAD no frequency). This missense change has been observed in individuals with autosomal dominant DES-related conditions (internal data). It has also been observed to segregate with disease in related individuals. ClinVar contains an entry for this variant (Variation ID: 201712). Invitae Evidence Modeling of protein sequence and biophysical properties (such as structural, functional, and spatial information, amino acid conservation, physicochemical variation, residue mobility, and thermodynamic stability) indicates that this missense variant is not expected to disrupt DES protein function with a negative predictive value of 80%. In summary, the currently available evidence indicates that the variant is pathogenic, but additional data are needed to prove that conclusively. Therefore, this variant has been classified as Likely Pathogenic.

Ambry Genetics
Classification: Uncertain significance for Cardiovascular phenotype. Last evaluated: 2022-07-05. Review status: criteria provided, single submitter. Criteria: Ambry Variant Classification Scheme 2023. Collection method: clinical testing. Allele origin: germline.
Comment: The p.R52S variant (also known as c.154C>A), located in coding exon 1 of the DES gene, results from a C to A substitution at nucleotide position 154. The arginine at codon 52 is replaced by serine, an amino acid with dissimilar properties. This amino acid position is highly conserved in available vertebrate species. In addition, this alteration is predicted to be deleterious by in silico analysis. Since supporting evidence is limited at this time, the clinical significance of this alteration remains unclear.

Women's Health and Genetics/Laboratory Corporation of America, LabCorp
Classification: Uncertain significance. Last evaluated: 2020-02-24. Review status: criteria provided, single submitter. Criteria: LabCorp Variant Classification Summary - May 2015. Collection method: clinical testing. Allele origin: germline.
Comment: Variant summary: DES c.154C>A (p.Arg52Ser) results in a non-conservative amino acid change located in the Intermediate filament head, DNA-binding domain of the encoded protein sequence. Three of five in-silico tools predict a benign effect of the variant on protein function. The variant was absent in 223204 control chromosomes. The available data on variant occurrences in the general population are insufficient to allow any conclusion about variant significance. To our knowledge, no occurrence of c.154C>A in individuals affected with Cardiomyopathy and no experimental evidence demonstrating its impact on protein function have been reported. One clinical diagnostic laboratory has submitted clinical-significance assessments for this variant to ClinVar after 2014 without evidence for independent evaluation. One laboratory classified the variant as uncertain significance. Based on the evidence outlined above, the variant was classified as uncertain significance.

GeneDx
Classification: Uncertain significance. Last evaluated: 2014-09-15. Review status: criteria provided, single submitter. Criteria: GeneDx Variant Classification (06012015). Collection method: clinical testing. Allele origin: germline. Affected: yes.
Comment: p.Arg52Ser (CGC>AGC): c.154 C>A in exon 1 of the DES gene (NM_001927.3)The R52S variant has not been published as a mutation, nor has it been reported as a benign polymorphism to our knowledge. The R52S variant was not observed in approximately 6000 individuals of European and African American ancestry in the NHLBI Exome Sequencing Project, indicating it is not a common benign variant in these population. The R52S variant is a semi-conservative amino acid substitution, which may impact secondary protein structure as these residues differ in some properties. This substitution occurs at a position that is conserved in mammals. In silico analysis is inconsistent in its predictions as to whether or not the variant is damaging to the protein structure/function. Missense mutations in a nearby residue (S46F, S46Y) have been reported in association with desmin-related myopathy, supporting the functional importance of this region of the protein. Therefore, based on the currently available information, it is unclear whether this variant is a pathogenic mutation or a rare benign variant. The variant is found in CARDIOMYOPATHY panel(s).

Stanford Center for Inherited Cardiovascular Disease, Stanford University
Classification: Uncertain significance. Last evaluated: 2013-09-30. Review status: criteria provided, single submitter. Criteria: ACMG Guidelines, 2015. Collection method: provider interpretation. Allele origin: germline.